The following is an entry in ClinVar:

NM_000702.4(ATP1A2):c.2670G>C (p.Arg890=)

Gene: ATP1A2 (ATPase Na+/K+ transporting subunit alpha 2; plus strand). Cytogenetic location: 1q23.2.
Variant type: single nucleotide variant.
Coding change: c.2670G>C on transcript NM_000702.4 (MANE Select); coding-DNA position 2670, G replaced by C.
Protein change: p.Arg890=; no amino-acid change (arginine 890 retained).
Molecular consequence: synonymous variant.
Genome position (GRCh38, 1-based): chr1:160,136,676, G>C. VCF-style: chr1-160136676-G-C. GRCh37 (hg19) VCF-style: chr1-160106466-G-C.
Identifiers: ClinVar variation 2639495 (VCV002639495.27), dbSNP rs1044831301, ClinGen allele CA31501931.

ClinVar aggregate classification (germline): Likely benign. Review status: criteria provided, multiple submitters, no conflicts (2 of 4 stars). 2 submissions from 2 submitters: Likely benign (2). Last evaluated 2025-03-03.

Conditions:
Familial hemiplegic migraine. Identifiers: MedGen C0338484, MONDO:0000700.

Allele frequency attached by ClinVar (database versions not stated): gnomAD exomes below 0.00001.
gnomAD v4.1: 4 of 1,614,246 alleles (0.00025%); highest among the groups gnomAD compares: Middle Eastern, 0.033%; no homozygotes.

Submissions (2):

Labcorp Genetics (formerly Invitae), Labcorp
Classification: Likely benign for Familial hemiplegic migraine. Last evaluated: 2025-03-03. Review status: criteria provided, single submitter. Criteria: Invitae Variant Classification Sherloc (09022015). Collection method: clinical testing. Allele origin: germline.

CeGaT Center for Human Genetics Tuebingen
Classification: Likely benign. Last evaluated: 2023-06-01. Review status: criteria provided, single submitter. Criteria: CeGaT Center For Human Genetics Tuebingen Variant Classification Criteria Version 2. Collection method: clinical testing. Allele origin: germline. Affected: yes. Observed: 1 variant allele.
Comment: ATP1A2: PM2:Supporting, BP4, BP7